The following is an entry in ClinVar:

NM_194277.3(FRMD7):c.905+1G>A

Gene: FRMD7 (FERM domain containing 7; minus strand). Cytogenetic location: Xq26.2.
Variant type: single nucleotide variant.
Coding change: c.905+1G>A on transcript NM_194277.3 (MANE Select); the canonical splice donor site of the intron after coding-DNA position 905, G replaced by A.
Molecular consequence: splice donor variant.
Genome position (GRCh38, 1-based): chrX:132,082,362, C>T on the plus strand (G>A on the coding strand, the complement: FRMD7 is on the minus strand). VCF-style: chrX-132082362-C-T. GRCh37 (hg19) VCF-style: chrX-131216390-C-T.
Other names: c.860+1G>A (NM_001306193.2).
Identifiers: ClinVar variation 280271 (VCV000280271.3), dbSNP rs886041507, ClinGen allele CA10603528.

ClinVar aggregate classification (germline): Pathogenic (1 of 4 stars; one submission).

Allele frequency attached by ClinVar (database versions not stated): gnomAD exomes below 0.00001.
gnomAD v4.1: 1 of 1,206,577 alleles (0.000083%); highest among the groups gnomAD compares: Non-Finnish European, 0.00011%; no homozygotes.

Submission:

GeneDx
Classification: Pathogenic. Last evaluated: 2019-04-25. Review status: criteria provided, single submitter. Criteria: GeneDx Variant Classification Process June 2021. Collection method: clinical testing. Allele origin: germline. Affected: yes.
Comment: Canonical splice site variant in a gene for which loss-of-function is a known mechanism of disease; Not observed in large population cohorts (Lek et al., 2016); Has not been previously published as pathogenic or benign to our knowledge